The following is an entry in ClinVar:

NM_018297.4(NGLY1):c.807T>A (p.Asp269Glu)

Gene: NGLY1 (N-glycanase 1; minus strand). Cytogenetic location: 3p24.2.
Variant type: single nucleotide variant.
Coding change: c.807T>A on transcript NM_018297.4 (MANE Select); coding-DNA position 807, T replaced by A.
Protein change: p.Asp269Glu; replaces aspartic acid 269 with glutamic acid.
Molecular consequence: missense variant.
Genome position (GRCh38, 1-based): chr3:25,739,651, A>T on the plus strand (T>A on the coding strand, the complement: NGLY1 is on the minus strand). VCF-style: chr3-25739651-A-T. GRCh37 (hg19) VCF-style: chr3-25781142-A-T.
Other names: c.807T>A, p.Asp269Glu (NM_001145293.2, NM_001145295.2); c.681T>A, p.Asp227Glu (NM_001145294.2); short protein forms D227E, D269E.
Identifiers: ClinVar variation 1960588 (VCV001960588.2), dbSNP rs764370236, ClinGen allele CA2289377.
Genomic context (GRCh38, chr3:25,739,651, plus strand): 5'-GCTGAACTGGCAGGCATCACAGTAATGATCTTCCACTTCCTTTGCACCCCACTTCAGCTC[A>T]TCATCACTGGGCAGTAATGATCTATCTCTAGACCTAGTCTGTCCACCACATTTGCTGCAC-3'
Protein context (NP_060767.2, residues 259-279): SRDRSLLPSD[Asp269Glu]ELKWGAKEVE

ClinVar aggregate classification (germline): Uncertain significance (1 of 4 stars; one submission).

Conditions:
Congenital disorder of deglycosylation (CDDG). Identifiers: MedGen C3808991, MONDO:0031376.

Allele frequency attached by ClinVar (database versions not stated): gnomAD exomes below 0.00001; TOPMed below 0.00001; ExAC 0.00001.
gnomAD v4.1: 1 of 1,614,132 alleles (0.000062%); highest among the groups gnomAD compares: Non-Finnish European, 0.000085%; no homozygotes.

Submission:

Labcorp Genetics (formerly Invitae), Labcorp
Classification: Uncertain significance for Congenital disorder of deglycosylation. Last evaluated: 2021-12-18. Review status: criteria provided, single submitter. Criteria: Invitae Variant Classification Sherloc (09022015). Collection method: clinical testing. Allele origin: germline.
Comment: This sequence change replaces aspartic acid, which is acidic and polar, with glutamic acid, which is acidic and polar, at codon 269 of the NGLY1 protein (p.Asp269Glu). This variant is present in population databases (rs764370236, gnomAD 0.004%). This variant has not been reported in the literature in individuals affected with NGLY1-related conditions. Algorithms developed to predict the effect of missense changes on protein structure and function output the following: SIFT: "Tolerated"; PolyPhen-2: "Benign"; Align-GVGD: "Class C0". The glutamic acid amino acid residue is found in multiple mammalian species, which suggests that this missense change does not adversely affect protein function. In summary, the available evidence is currently insufficient to determine the role of this variant in disease. Therefore, it has been classified as a Variant of Uncertain Significance.